The following is an entry in ClinVar:

NM_004360.5(CDH1):c.1621_1622delinsAA (p.Ala541Asn)

Gene: CDH1 (cadherin 1; plus strand). Cytogenetic location: 16q22.1.
Variant type: Indel.
Coding change: c.1621_1622delinsAA on transcript NM_004360.5 (MANE Select); coding-DNA positions 1621 to 1622, GC replaced by AA.
Protein change: p.Ala541Asn; replaces alanine 541 with asparagine.
Molecular consequence: missense variant. On other transcripts: intron variant (1).
Genome position (GRCh38, 1-based): chr16:68,819,335-68,819,336, GC replaced by AA. VCF-style: chr16-68819335-GC-AA. GRCh37 (hg19) VCF-style: chr16-68853238-GC-AA.
Other names: c.1438_1439delinsAA, p.Ala480Asn (NM_001317184.2); c.73_74delinsAA, p.Ala25Asn (NM_001317185.2); c.-254-2666_-254-2665delinsAA (NM_001317186.2); short protein forms A480N, A25N, A541N.
Identifiers: ClinVar variation 4714315 (VCV004714315.1).

ClinVar aggregate classification (germline): Uncertain significance (1 of 4 stars; one submission).

Conditions:
Hereditary diffuse gastric adenocarcinoma (HDGC). Also called: DIFFUSE GASTRIC AND LOBULAR BREAST CANCER SYNDROME. Identifiers: Orphanet 26106, MedGen C1708349, MONDO:0007648, OMIM 137215.

Submission:

Labcorp Genetics (formerly Invitae), Labcorp
Classification: Uncertain significance for Hereditary diffuse gastric adenocarcinoma. Last evaluated: 2025-03-04. Review status: criteria provided, single submitter. Criteria: Invitae Variant Classification Sherloc (09022015). Collection method: clinical testing. Allele origin: germline.
Comment: This sequence change replaces alanine, which is neutral and non-polar, with asparagine, which is neutral and polar, at codon 541 of the CDH1 protein (p.Ala541Asn). Information on the frequency of this variant in the gnomAD database is not available, as this variant may be reported differently in the database. This variant has not been reported in the literature in individuals affected with CDH1-related conditions. An algorithm developed to predict the effect of missense changes on protein structure and function (PolyPhen-2) suggests that this variant is likely to be disruptive. In summary, the available evidence is currently insufficient to determine the role of this variant in disease. Therefore, it has been classified as a Variant of Uncertain Significance.